The following is an entry in ClinVar:

NM_003721.4(RFXANK):c.25G>A (p.Asp9Asn)

Gene: RFXANK (regulatory factor X associated ankyrin containing protein; plus strand). Cytogenetic location: 19p13.11.
Variant type: single nucleotide variant.
Coding change: c.25G>A on transcript NM_003721.4 (MANE Select); coding-DNA position 25, G replaced by A.
Protein change: p.Asp9Asn; replaces aspartic acid 9 with asparagine.
Molecular consequence: missense variant.
Genome position (GRCh38, 1-based): chr19:19,193,971, G>A. VCF-style: chr19-19193971-G-A. GRCh37 (hg19) VCF-style: chr19-19304780-G-A.
Other names: c.25G>A, p.Asp9Asn (NM_001278727.2, NM_001278728.2, NM_001370233.1 and 6 more transcripts); short protein forms D9N.
Identifiers: ClinVar variation 1984650 (VCV001984650.4), dbSNP rs2512791964, ClinGen allele CA404889244.

ClinVar aggregate classification (germline): Uncertain significance (1 of 4 stars; one submission).

Conditions:
MHC class II deficiency. Also called: Bare lymphocyte syndrome 2; BLS, TYPE II. Identifiers: Orphanet 572, MedGen C5447452, MONDO:0008855.

Submission:

Labcorp Genetics (formerly Invitae), Labcorp
Classification: Uncertain significance for MHC class II deficiency. Last evaluated: 2022-10-24. Review status: criteria provided, single submitter. Criteria: Invitae Variant Classification Sherloc (09022015). Collection method: clinical testing. Allele origin: germline.
Comment: This variant has not been reported in the literature in individuals affected with RFXANK-related conditions. Algorithms developed to predict the effect of missense changes on protein structure and function output the following: SIFT: "Tolerated"; PolyPhen-2: "Benign"; Align-GVGD: "Class C0". The asparagine amino acid residue is found in multiple mammalian species, which suggests that this missense change does not adversely affect protein function. In summary, the available evidence is currently insufficient to determine the role of this variant in disease. Therefore, it has been classified as a Variant of Uncertain Significance. This variant is not present in population databases (gnomAD no frequency). This sequence change replaces aspartic acid, which is acidic and polar, with asparagine, which is neutral and polar, at codon 9 of the RFXANK protein (p.Asp9Asn).